The following is an entry in ClinVar:

NM_003924.4(PHOX2B):c.584C>T (p.Thr195Ile)

Gene: PHOX2B (paired like homeobox 2B; minus strand). Cytogenetic location: 4p13.
Variant type: single nucleotide variant.
Coding change: c.584C>T on transcript NM_003924.4 (MANE Select); coding-DNA position 584, C replaced by T.
Protein change: p.Thr195Ile; replaces threonine 195 with isoleucine.
Molecular consequence: missense variant.
Genome position (GRCh38, 1-based): chr4:41,746,168, G>A on the plus strand (C>T on the coding strand, the complement: PHOX2B is on the minus strand). VCF-style: chr4-41746168-G-A. GRCh37 (hg19) VCF-style: chr4-41748185-G-A.
Other names: short protein forms T195I.
Identifiers: ClinVar variation 4861805 (VCV004861805.1).
Genomic context (GRCh38, chr4:41,746,168, plus strand): 5'-CCGCCGCCTCCATTCGCCCCGCAGCTGGGGGTGGGGTTGGGATTGGGACCTGGGCCCCCA[G>A]TGCTGTCCGGGTCAGTGCTCTTGGCCTCTTTGCTCTCGTCGTCCCTGGAAGAGTCAGACT-3'
Protein context (NP_003915.2, residues 185-205): KEAKSTDPDS[Thr195Ile]GGPGPNPNPT

ClinVar aggregate classification (germline): Uncertain significance (1 of 4 stars; one submission).

Conditions:
Hereditary cancer-predisposing syndrome. Also called: Neoplastic Syndromes, Hereditary; Tumor predisposition; Hereditary Cancer Syndrome; Hereditary neoplastic syndrome. Identifiers: Orphanet 140162, MedGen C0027672, MeSH D009386, MONDO:0015356.

Submission:

Ambry Genetics
Classification: Uncertain significance for Hereditary cancer-predisposing syndrome. Last evaluated: 2026-03-27. Review status: criteria provided, single submitter. Criteria: Ambry Variant Classification Scheme 2023. Collection method: clinical testing. Allele origin: germline.
Comment: The p.T195I variant (also known as c.584C>T), located in coding exon 3 of the PHOX2B gene, results from a C to T substitution at nucleotide position 584. The threonine at codon 195 is replaced by isoleucine, an amino acid with similar properties. This amino acid position is conserved. In addition, this alteration is predicted to be tolerated by in silico analysis. Based on the available evidence, the clinical significance of this variant remains unclear.